The following is an entry in ClinVar:

NM_000155.4(GALT):c.55G>C (p.Ala19Pro)

Gene: GALT (galactose-1-phosphate uridylyltransferase; plus strand). Cytogenetic location: 9p13.3.
Variant type: single nucleotide variant.
Coding change: c.55G>C on transcript NM_000155.4 (MANE Select); coding-DNA position 55, G replaced by C.
Protein change: p.Ala19Pro; replaces alanine 19 with proline.
Molecular consequence: missense variant. On other transcripts: 5 prime UTR variant (1).
Genome position (GRCh38, 1-based): chr9:34,646,759, G>C. VCF-style: chr9-34646759-G-C. GRCh37 (hg19) VCF-style: chr9-34646756-G-C.
Other names: c.-148G>C (NM_001258332.2); short protein forms A19P.
Identifiers: ClinVar variation 2430947 (VCV002430947.1), dbSNP rs545621674, ClinGen allele CA5035996.

ClinVar aggregate classification (germline): Uncertain significance (1 of 4 stars; one submission).

Allele frequency attached by ClinVar (database versions not stated): gnomAD 0.00001; ExAC 0.00002; 1000 Genomes Project 30x 0.00016; 1000 Genomes Project 0.00020.

Submission:

GeneDx
Classification: Uncertain significance. Last evaluated: 2022-08-23. Review status: criteria provided, single submitter. Criteria: GeneDx Variant Classification Process June 2021. Collection method: clinical testing. Allele origin: germline. Affected: yes.
Comment: Not observed at significant frequency in large population cohorts (gnomAD); In silico analysis supports that this missense variant does not alter protein structure/function; Has not been previously published as pathogenic or benign to our knowledge